The following is an entry in ClinVar:

NM_198578.4(LRRK2):c.5272C>G (p.His1758Asp)

Gene: LRRK2 (leucine rich repeat kinase 2; plus strand). Cytogenetic location: 12q12.
Variant type: single nucleotide variant.
Coding change: c.5272C>G on transcript NM_198578.4 (MANE Select); coding-DNA position 5272, C replaced by G.
Protein change: p.His1758Asp; replaces histidine 1758 with aspartic acid.
Molecular consequence: missense variant.
Genome position (GRCh38, 1-based): chr12:40,322,136, C>G. VCF-style: chr12-40322136-C-G. GRCh37 (hg19) VCF-style: chr12-40715938-C-G.
Other names: short protein forms H1758D.
Identifiers: ClinVar variation 1746523 (VCV001746523.2), dbSNP rs2499883781, ClinGen allele CA384420378.

ClinVar aggregate classification (germline): Uncertain significance (1 of 4 stars; one submission).

Conditions:
Inborn genetic diseases. Identifiers: MedGen C0950123, MeSH D030342.

Allele frequency attached by ClinVar (database versions not stated): gnomAD exomes below 0.00001.
gnomAD v4.1: 1 of 1,612,640 alleles (0.000062%); highest among the groups gnomAD compares: Non-Finnish European, 0.000085%; no homozygotes.

Submission:

Ambry Genetics
Classification: Uncertain significance for Inborn genetic diseases. Last evaluated: 2022-09-10. Review status: criteria provided, single submitter. Criteria: Ambry Variant Classification Scheme 2023. Collection method: clinical testing. Allele origin: germline.
Comment: The p.H1758D variant (also known as c.5272C>G), located in coding exon 36 of the LRRK2 gene, results from a C to G substitution at nucleotide position 5272. The histidine at codon 1758 is replaced by aspartic acid, an amino acid with similar properties. This amino acid position is conserved. In addition, this alteration is predicted to be tolerated by in silico analysis. Since supporting evidence is limited at this time, the clinical significance of this alteration remains unclear.